The following is an entry in ClinVar:

ClinVar aggregate classification (germline): Uncertain significance (1 of 4 stars; one submission).

Conditions:
Familial cold autoinflammatory syndrome 2 (FCAS2). Identifiers: Orphanet 247868, MedGen C2673198, MONDO:0012724, OMIM 611762.

gnomAD v4.1: 1 of 1,613,914 alleles (0.000062%); highest among the groups gnomAD compares: East Asian, 0.0022%; no homozygotes.

Submission:

Labcorp Genetics (formerly Invitae), Labcorp
Classification: Uncertain significance for Familial cold autoinflammatory syndrome 2. Last evaluated: 2025-09-01. Review status: criteria provided, single submitter. Criteria: Invitae Variant Classification Sherloc (09022015). Collection method: clinical testing. Allele origin: germline.
Comment: This sequence change replaces arginine, which is basic and polar, with threonine, which is neutral and polar, at codon 130 of the NLRP12 protein (p.Arg130Thr). This variant is present in population databases (rs780595959, gnomAD 0.0009%). This variant has not been reported in the literature in individuals affected with NLRP12-related conditions. Invitae Evidence Modeling of protein sequence and biophysical properties (such as structural, functional, and spatial information, amino acid conservation, physicochemical variation, residue mobility, and thermodynamic stability) indicates that this missense variant is not expected to disrupt NLRP12 protein function with a negative predictive value of 80%. In summary, the available evidence is currently insufficient to determine the role of this variant in disease. Therefore, it has been classified as a Variant of Uncertain Significance.

NM_144687.4(NLRP12):c.389G>C (p.Arg130Thr)

Gene: NLRP12 (NLR family pyrin domain containing 12; minus strand). Cytogenetic location: 19q13.42.
Variant type: single nucleotide variant.
Coding change: c.389G>C on transcript NM_144687.4 (MANE Select); coding-DNA position 389, G replaced by C.
Protein change: p.Arg130Thr; replaces arginine 130 with threonine.
Molecular consequence: missense variant.
Genome position (GRCh38, 1-based): chr19:53,811,270, C>G on the plus strand (G>C on the coding strand, the complement: NLRP12 is on the minus strand). VCF-style: chr19-53811270-C-G. GRCh37 (hg19) VCF-style: chr19-54314524-C-G.
Other names: c.389G>C, p.Arg130Thr (NM_001277126.2, NM_001277129.1); short protein forms R130T.
Identifiers: ClinVar variation 4704439 (VCV004704439.1).
Genomic context (GRCh38, chr19:53,811,270, plus strand): 5'-CATTCCCCTAGGCGCGCATTGCGGTCTTCCATGAGCCGGAATTTCCTGCGGACATAGTCC[C>G]TGTAGGTTTCCTGGGGATCTAGGGGAGAGGAATGAAGGTTTTGTGGAAGACTCATCAGCA-3'
Protein context (NP_653288.1, residues 120-140): TPRKDPQETY[Arg130Thr]DYVRRKFRLM